The following is an entry in ClinVar:

NM_001267550.2(TTN):c.65237G>C (p.Ser21746Thr)

Genes: TTN (titin; minus strand), TTN-AS1 (TTN antisense RNA 1; plus strand). Cytogenetic location: 2q31.2.
Variant type: single nucleotide variant.
Coding change: c.65237G>C on transcript NM_001267550.2 (MANE Select); coding-DNA position 65237, G replaced by C.
Protein change: p.Ser21746Thr; replaces serine 21746 with threonine.
Molecular consequence: missense variant.
Genome position (GRCh38, 1-based): chr2:178,584,314, C>G on the plus strand (G>C on the coding strand, the complement: TTN is on the minus strand). VCF-style: chr2-178584314-C-G. GRCh37 (hg19) VCF-style: chr2-179449041-C-G.
Other names: c.60314G>C, p.Ser20105Thr (NM_001256850.1); c.38042G>C, p.Ser12681Thr (NM_003319.4); c.57533G>C, p.Ser19178Thr (NM_133378.4); c.38417G>C, p.Ser12806Thr (NM_133432.3); c.38618G>C, p.Ser12873Thr (NM_133437.4); short protein forms S12681T, S12806T, S12873T, S19178T, S20105T, S21746T.
Identifiers: ClinVar variation 3344398 (VCV003344398.1).

ClinVar aggregate classification (germline): Uncertain significance (0 of 4 stars; one submission).

Conditions:
TTN-related disorder. Also called: TTN-related disorders; TTN-related condition; TTN-related disease.

Submission:

PreventionGenetics, part of Exact Sciences
Classification: Uncertain significance for TTN-related condition. Last evaluated: 2024-09-23. Review status: no assertion criteria provided. Collection method: clinical testing. Allele origin: germline.
Comment: The TTN c.65237G>C variant is predicted to result in the amino acid substitution p.Ser21746Thr. To our knowledge, this variant has not been reported in the literature or in a large population database, indicating this variant is rare. This variant resides within the A-band of the TTN protein. RNAseq studies from heart tissue indicate this exon is commonly included in TTN mRNA transcripts (PSI of 92-100%, Roberts et al. 2015. PMID: 25589632). At this time, the clinical significance of this variant is uncertain due to the absence of conclusive functional and genetic evidence.